The following is an entry in ClinVar:

NM_000384.3(APOB):c.2437-17C>T

Gene: APOB (apolipoprotein B; minus strand). Cytogenetic location: 2p24.1.
Variant type: single nucleotide variant.
Coding change: c.2437-17C>T on transcript NM_000384.3 (MANE Select); 17 bases into the intron before coding-DNA position 2437, C replaced by T.
Molecular consequence: intron variant.
Genome position (GRCh38, 1-based): chr2:21,023,709, G>A on the plus strand (C>T on the coding strand, the complement: APOB is on the minus strand). VCF-style: chr2-21023709-G-A. GRCh37 (hg19) VCF-style: chr2-21246581-G-A.
Identifiers: ClinVar variation 510606 (VCV000510606.4), dbSNP rs764415047, ClinGen allele CA056419.
Genomic context (GRCh38, chr2:21,023,709, plus strand): 5'-AGAAAAAAGTCATTCTTTGAGCCCTTCCTGATGACCTCTCCAATCTGTAGACCCAACAAG[G>A]GAGAGCAAATAAAAGTAAGTCTTTTTAAAGTCGGTTTTGTTAATTACAACCTCCCATACA-3'

ClinVar aggregate classification (germline): Likely benign. Review status: criteria provided, multiple submitters, no conflicts (2 of 4 stars). 2 submissions from 2 submitters: Likely benign (2). Last evaluated 2025-11-11.

Conditions:
Familial hypobetalipoproteinemia 1. Also called: Hypobetalipoproteinemia, normotriglyceridemic; Acanthocytosis with hypobetalipoproteinemia; APOB-Related Familial Hypobetalipoproteinemia. Identifiers: MedGen C4551990, MONDO:0014252, OMIM 615558.
Hypercholesterolemia, autosomal dominant, type B (FHCL2). Also called: Familial hypercholesterolemia 2; APOB-Related Familial Hypercholesterolemia, Autosomal Dominant; HYPERCHOLESTEROLEMIA, FAMILIAL, DUE TO LIGAND-DEFECTIVE APOLIPOPROTEIN B; Familial Hypercholesterolemia Type B; APOLIPOPROTEIN B-100, FAMILIAL DEFECTIVE; APOLIPOPROTEIN B-100, FAMILIAL LIGAND-DEFECTIVE. Identifiers: MedGen C1704417, MONDO:0007751, OMIM 144010.

Allele frequency attached by ClinVar (database versions not stated): gnomAD 0.00001; TOPMed 0.00002.
gnomAD v4.1: 17 of 1,577,116 alleles (0.0011%); highest among the groups gnomAD compares: Non-Finnish European, 0.0014%; no homozygotes.

Submissions (2):

Labcorp Genetics (formerly Invitae), Labcorp
Classification: Likely benign for Familial hypobetalipoproteinemia 1; Hypercholesterolemia, autosomal dominant, type B. Last evaluated: 2025-11-11. Review status: criteria provided, single submitter. Criteria: Invitae Variant Classification Sherloc (09022015). Collection method: clinical testing. Allele origin: germline.

GeneDx
Classification: Likely benign. Last evaluated: 2017-07-02. Review status: criteria provided, single submitter. Criteria: GeneDx Variant Classification (06012015). Collection method: clinical testing. Allele origin: germline. Affected: yes.
Comment: This variant is considered likely benign or benign based on one or more of the following criteria: it is a conservative change, it occurs at a poorly conserved position in the protein, it is predicted to be benign by multiple in silico algorithms, and/or has population frequency not consistent with disease.